The following is an entry in ClinVar:

NM_001042492.3(NF1):c.6213A>G (p.Gln2071=)

Gene: NF1 (neurofibromin 1; plus strand). Cytogenetic location: 17q11.2.
Variant type: single nucleotide variant.
Coding change: c.6213A>G on transcript NM_001042492.3 (MANE Select); coding-DNA position 6213, A replaced by G.
Protein change: p.Gln2071=; no amino-acid change (glutamine 2071 retained).
Molecular consequence: synonymous variant.
Genome position (GRCh38, 1-based): chr17:31,336,700, A>G. VCF-style: chr17-31336700-A-G. GRCh37 (hg19) VCF-style: chr17-29663718-A-G.
Other names: c.6150A>G, p.Gln2050= (NM_000267.4).
Identifiers: ClinVar variation 413008 (VCV000413008.11), dbSNP rs1060503910, ClinGen allele CA16615661.

ClinVar aggregate classification (germline): Benign/Likely benign. Review status: criteria provided, multiple submitters, no conflicts (2 of 4 stars). 3 submissions from 3 submitters: Benign (1); Likely benign (2). Last evaluated 2026-09-23.

Conditions:
Neurofibromatosis, type 1 (NF1). Also called: VON RECKLINGHAUSEN DISEASE; NEUROFIBROMATOSIS, TYPE I, SOMATIC; Neurofibromatosis, type I; Peripheral type neurofibromatosis. Identifiers: Orphanet 636, MedGen C0027831, MONDO:0018975, OMIM 162200. Disease mechanism: loss of function.
Hereditary cancer-predisposing syndrome. Also called: Hereditary Cancer Syndrome; Hereditary neoplastic syndrome; Neoplastic Syndromes, Hereditary; Tumor predisposition. Identifiers: Orphanet 140162, MedGen C0027672, MeSH D009386, MONDO:0015356.
Cardiovascular phenotype. Identifiers: MedGen CN230736.

Allele frequency attached by ClinVar (database versions not stated): gnomAD exomes below 0.00001; TOPMed 0.00001.
gnomAD v4.1: 1 of 1,614,008 alleles (0.000062%); highest among the groups gnomAD compares: Non-Finnish European, 0.000085%; no homozygotes.

Submissions (3):

Myriad Genetics, Inc.
Classification: Benign for Neurofibromatosis, type 1. Last evaluated: 2026-09-23. Review status: criteria provided, single submitter. Criteria: Myriad Autosomal Dominant, Autosomal Recessive and X-Linked Classification Criteria (2023). Collection method: clinical testing. Allele origin: unknown.
Comment: This variant is considered benign. This variant is a silent/synonymous amino acid change and it is not expected to impact splicing.

Labcorp Genetics (formerly Invitae), Labcorp
Classification: Likely benign for Neurofibromatosis, type 1. Last evaluated: 2026-02-02. Review status: criteria provided, single submitter. Criteria: Invitae Variant Classification Sherloc (09022015). Collection method: clinical testing. Allele origin: germline.

Ambry Genetics
Classification: Likely benign for Cardiovascular phenotype; Hereditary cancer-predisposing syndrome. Last evaluated: 2021-06-16. Review status: criteria provided, single submitter. Criteria: Ambry Variant Classification Scheme 2023. Collection method: clinical testing. Allele origin: germline.